The following is an entry in ClinVar:

ClinVar aggregate classification (germline): Likely pathogenic (1 of 4 stars; one submission).

Conditions:
Autosomal dominant intellectual disability-craniofacial anomalies-cardiac defects syndrome (ARTHS). Also called: KAT6A syndrome; Mental retardation, autosomal dominant 32; Arboleda-Tham syndrome. Identifiers: Orphanet 457193, MedGen C4225396, MONDO:0014558, OMIM 616268.

Submission:

Laboratorio de Genetica e Diagnostico Molecular, Hospital Israelita Albert Einstein
Classification: Likely pathogenic for Autosomal dominant intellectual disability-craniofacial anomalies-cardiac defects syndrome. Last evaluated: 2025-03-13. Review status: criteria provided, single submitter. Criteria: ACMG Guidelines, 2015. Collection method: clinical testing. Allele origin: germline. Affected: yes.
Comment: ACMG classification criteria: PVS1 very strong, PM2 supporting

NM_006766.5(KAT6A):c.2293C>T (p.Arg765Ter)

Gene: KAT6A (lysine acetyltransferase 6A; minus strand). Cytogenetic location: 8p11.21.
Variant type: single nucleotide variant.
Coding change: c.2293C>T on transcript NM_006766.5 (MANE Select); coding-DNA position 2293, C replaced by T.
Protein change: p.Arg765Ter; replaces arginine 765 with a stop codon.
Molecular consequence: nonsense.
Genome position (GRCh38, 1-based): chr8:41,942,936, G>A on the plus strand (C>T on the coding strand, the complement: KAT6A is on the minus strand). VCF-style: chr8-41942936-G-A. GRCh37 (hg19) VCF-style: chr8-41800454-G-A.
Other names: c.2293C>T, p.Arg765Ter (NM_001305878.2); short protein forms R765*.
Identifiers: ClinVar variation 4056517 (VCV004056517.1).